The following is an entry in ClinVar:

ClinVar aggregate classification (germline): Pathogenic/Likely pathogenic. Review status: criteria provided, multiple submitters, no conflicts (2 of 4 stars). 6 submissions from 6 submitters: Pathogenic (2); Likely pathogenic (4). Last evaluated 2026-02-09.

Conditions:
Primary hyperoxaluria, type I (HP1). Also called: Primary hyperoxaluria type 1; GLYCOLIC ACIDURIA; HEPATIC AGT DEFICIENCY; OXALOSIS I. Identifiers: Orphanet 416, Orphanet 93598, MedGen C0268164, MONDO:0009823, OMIM 259900. Disease mechanism: loss of function.

Allele frequency attached by ClinVar (database versions not stated): gnomAD exomes 0.00001; TOPMed 0.00001; ExAC 0.00005.
gnomAD v4.1: 12 of 1,558,666 alleles (0.00077%); highest among the groups gnomAD compares: East Asian, 0.0047%; no homozygotes.

Submissions (6):

Clinical Genetics Laboratory, Skane University Hospital Lund
Classification: Pathogenic for Primary hyperoxaluria, type I. Last evaluated: 2026-02-09. Review status: criteria provided, single submitter. Criteria: ACMG Guidelines, 2015. Collection method: clinical testing. Allele origin: germline. Inheritance: Autosomal recessive inheritance. Affected: yes.
Comment: ACMG criteria used: PM2, PM3, PM5, PP1, PP3, PP4_Strong.

Rare Kidney Stone Consortium and the Mayo Clinic Hyperoxaluria Center, Mayo Clinic
Classification: Pathogenic for Primary hyperoxaluria, type I. Last evaluated: 2025-10-03. Review status: criteria provided, single submitter. Criteria: ACMG Guidelines, 2015. Collection method: research. Allele origin: germline. Affected: yes. Observed: 1 variant allele.
Comment: ACMG:PM1, PM2, PM5, PP2, PP3, PP5

Natera, Inc.
Classification: Likely pathogenic for Primary hyperoxaluria type I. Last evaluated: 2025-05-29. Review status: criteria provided, single submitter. Criteria: Natera Variant Classification Schema (03/2026). Collection method: clinical testing. Allele origin: germline.
Comment: The c.1078C>T variant in AGXT is a missense variant predicted to cause substitution of arginine to tryptophan at amino acid 360. This variant is rare in the general population with a frequency below the threshold expected for the associated phenotype(s). This variant has been observed in one or more individuals affected with the associated recessive disease, as either homozygous or compound heterozygous with a second variant (PMID: 25644115, 31078535). A different variant at the same position has been determined to be Pathogenic or Likely Pathogenic. Computational prediction algorithms indicate this variant is likely to affect gene or protein function. Given the available evidence, this variant is classified as Likely Pathogenic.

Fulgent Genetics
Classification: Likely pathogenic for Primary hyperoxaluria, type I. Last evaluated: 2024-04-02. Review status: criteria provided, single submitter. Criteria: ACMG Guidelines, 2015. Collection method: clinical testing. Allele origin: germline.

Baylor Genetics
Classification: Likely pathogenic for Primary hyperoxaluria, type I. Last evaluated: 2024-03-16. Review status: criteria provided, single submitter. Criteria: ACMG Guidelines, 2015. Collection method: clinical testing. Allele origin: unknown.

Labcorp Genetics (formerly Invitae), Labcorp
Classification: Likely pathogenic. Last evaluated: 2023-02-27. Review status: criteria provided, single submitter. Criteria: Invitae Variant Classification Sherloc (09022015). Collection method: clinical testing. Allele origin: germline.
Comment: This missense change has been observed in individuals with clinical features of primary hyperoxaluria (PMID: 25644115, 34082749). In summary, the currently available evidence indicates that the variant is pathogenic, but additional data are needed to prove that conclusively. Therefore, this variant has been classified as Likely Pathogenic. This variant disrupts the p.Arg360 amino acid residue in AGXT. Other variant(s) that disrupt this residue have been determined to be pathogenic (PMID: 19479957, 21705122, 25644115, 27935012, 28893421, 30341509). This suggests that this residue is clinically significant, and that variants that disrupt this residue are likely to be disease-causing. Advanced modeling of protein sequence and biophysical properties (such as structural, functional, and spatial information, amino acid conservation, physicochemical variation, residue mobility, and thermodynamic stability) performed at Invitae indicates that this missense variant is expected to disrupt AGXT protein function. ClinVar contains an entry for this variant (Variation ID: 2203299). The frequency data for this variant in the population databases is considered unreliable, as metrics indicate poor data quality at this position in the gnomAD database. This sequence change replaces arginine, which is basic and polar, with tryptophan, which is neutral and slightly polar, at codon 360 of the AGXT protein (p.Arg360Trp).

Literature cited by the submitters: PubMed 25644115 (cited by 3 submitters); PubMed 34426522 (cited by Rare Kidney Stone Consortium and the Mayo Clinic Hyperoxaluria Center, Mayo Clinic); PubMed 34082749 (cited by Rare Kidney Stone Consortium and the Mayo Clinic Hyperoxaluria Center, Mayo Clinic and Labcorp Genetics (formerly Invitae), Labcorp); PubMed 40794449 (cited by Rare Kidney Stone Consortium and the Mayo Clinic Hyperoxaluria Center, Mayo Clinic); PubMed 31078535 (cited by Natera, Inc.); PubMed 19479957 (cited by Labcorp Genetics (formerly Invitae), Labcorp); PubMed 21705122 (cited by Labcorp Genetics (formerly Invitae), Labcorp); PubMed 27935012 (cited by Labcorp Genetics (formerly Invitae), Labcorp); PubMed 28893421 (cited by Labcorp Genetics (formerly Invitae), Labcorp); PubMed 30341509 (cited by Labcorp Genetics (formerly Invitae), Labcorp).

NM_000030.3(AGXT):c.1078C>T (p.Arg360Trp)

Gene: AGXT (alanine--glyoxylate aminotransferase; plus strand). Cytogenetic location: 2q37.3.
Variant type: single nucleotide variant.
Coding change: c.1078C>T on transcript NM_000030.3 (MANE Select); coding-DNA position 1078, C replaced by T.
Protein change: p.Arg360Trp; replaces arginine 360 with tryptophan.
Molecular consequence: missense variant.
Genome position (GRCh38, 1-based): chr2:240,878,720, C>T. VCF-style: chr2-240878720-C-T. GRCh37 (hg19) VCF-style: chr2-241818137-C-T.
Other names: c.1078C>T (NM_000030.2); short protein forms R360W.
Identifiers: ClinVar variation 2203299 (VCV002203299.7), dbSNP rs758493460, ClinGen allele CA2209414.